The following is an entry in ClinVar:

ClinVar aggregate classification (germline): Likely pathogenic (1 of 4 stars; one submission).

Conditions:
Mucopolysaccharidosis, MPS-IV-A (MPS4A). Also called: Mucopolysaccharidosis type IV A; Mucopolysaccharidosis Type IVA; Morquio syndrome A, mild; MORQUIO SYNDROME A; MPS IVA; mucopolysaccharidosis type 4A. Identifiers: Orphanet 309297, Orphanet 582, MedGen C0086651, MONDO:0009659, OMIM 253000.

Submission:

Labcorp Genetics (formerly Invitae), Labcorp
Classification: Likely pathogenic for Mucopolysaccharidosis, MPS-IV-A. Last evaluated: 2020-09-24. Review status: criteria provided, single submitter. Criteria: Invitae Variant Classification Sherloc (09022015). Collection method: clinical testing. Allele origin: germline.
Comment: In summary, the currently available evidence indicates that the variant is pathogenic, but additional data are needed to prove that conclusively. Therefore, this variant has been classified as Likely Pathogenic. This variant disrupts the p.Met318 amino acid residue in GALNS. Other variant(s) that disrupt this residue have been determined to be pathogenic (PMID: 24035930, 30458289, 23876334). This suggests that this residue is clinically significant, and that variants that disrupt this residue are likely to be disease-causing. This variant has not been reported in the literature in individuals with GALNS-related conditions. This variant is an in-frame deletion of the genomic region encompassing exon(s) 5-10 of the GALNS gene. It preserves the integrity of the reading frame.

Literature cited by the submitters: PubMed 24035930; PubMed 30458289; PubMed 23876334.

NC_000016.9:g.(?_88893090)_(88904193_?)del

Gene: GALNS (galactosamine (N-acetyl)-6-sulfatase; minus strand). Cytogenetic location: 16q24.3.
Variant type: Deletion.
Identifiers: ClinVar variation 1067961 (VCV001067961.7).